The following is an entry in ClinVar:

NM_001242898.2(PPP6R2):c.1594G>A (p.Val532Met)

Gene: PPP6R2 (protein phosphatase 6 regulatory subunit 2; plus strand). Cytogenetic location: 22q13.33.
Variant type: single nucleotide variant.
Coding change: c.1594G>A on transcript NM_001242898.2 (MANE Select); coding-DNA position 1594, G replaced by A.
Protein change: p.Val532Met; replaces valine 532 with methionine.
Molecular consequence: missense variant.
Genome position (GRCh38, 1-based): chr22:50,436,444, G>A. VCF-style: chr22-50436444-G-A. GRCh37 (hg19) VCF-style: chr22-50874873-G-A.
Other names: c.1597G>A, p.Val533Met (NM_001242899.2, NM_001351641.2); c.1594G>A, p.Val532Met (NM_001242900.2, NM_001351642.2, NM_001351643.2 and 4 more transcripts); c.1591G>A, p.Val531Met (NM_001351646.2); c.1108G>A, p.Val370Met (NM_001351647.2, NM_001351648.2); short protein forms V370M, V531M, V532M, V533M.
Identifiers: ClinVar variation 3024724 (VCV003024724.22), dbSNP rs144758234, ClinGen allele CA10315081.

ClinVar aggregate classification (germline): Likely benign (1 of 4 stars; one submission).

Allele frequency attached by ClinVar (database versions not stated): 1000 Genomes Project 0.00160; 1000 Genomes Project 30x 0.00187; gnomAD 0.00348; ESP Exome Variant Server 0.00385; TOPMed 0.00436; ExAC 0.00496; gnomAD exomes 0.00518.
gnomAD v4.1: 7,935 of 1,589,726 alleles (0.5%); highest among the groups gnomAD compares: Non-Finnish European, 0.62%; 29 homozygotes.

Submission:

CeGaT Center for Human Genetics Tuebingen
Classification: Likely benign. Last evaluated: 2024-02-01. Review status: criteria provided, single submitter. Criteria: CeGaT Center For Human Genetics Tuebingen Variant Classification Criteria Version 2. Collection method: clinical testing. Allele origin: germline. Affected: yes. Observed: 1 variant allele.
Comment: PPP6R2: BP4, BS2